The following is an entry in ClinVar:

ClinVar aggregate classification (germline): Pathogenic. Review status: reviewed by expert panel (3 of 4 stars). 20 submissions from 19 submitters: Pathogenic (1). 19 of the submissions do not count toward it. Last evaluated 2021-09-24.

Conditions:
CFTR-related disorder (CFTR-RD). Also called: CFTR-related condition; CFTR-related disorders. Identifiers: MedGen C5924204, MONDO:7770004.
Congenital bilateral aplasia of vas deferens from CFTR mutation (CBAVD). Identifiers: Orphanet 48, MedGen C0403814, MONDO:0010178, OMIM 277180. Disease mechanism: loss of function.
Cystic fibrosis (CF). Also called: MUCOVISCIDOSIS. Identifiers: Orphanet 586, MedGen C0010674, MONDO:0009061, OMIM 219700. Disease mechanism: loss of function.
Bronchiectasis with or without elevated sweat chloride 1 (BESC1). Also called: Cystic Fibrosis-Like Syndrome. Identifiers: Orphanet 60033, MedGen C2749757, MONDO:0008887, OMIM 211400.

Submissions 1 to 12 of 20:

CFTR2
Classification: Pathogenic for Cystic fibrosis. Last evaluated: 2021-09-24. Review status: reviewed by expert panel. Criteria: Submitter's publication and website. Collection method: research. Allele origin: germline. Affected: yes.

Otogenetics
Classification: Pathogenic for Cystic fibrosis; Congenital bilateral aplasia of vas deferens from CFTR mutation. Last evaluated: 2026-02-23. Review status: criteria provided, single submitter. Criteria: ACMG Guidelines, 2015. Collection method: clinical testing. Allele origin: germline. Not counted in ClinVar's aggregate classification.
Comment: PM2: Maximum gnomAD MAF of 0.0174% in American (AMR) subpopulation (<0.296% threshold); PM3_VeryStrong: Variant reported in homozygous state in one affected individual and in trans with multiple pathogenic variants in numerous individuals affected with cystic fibrosis and CF-related disorders (PMID: 12394343, 15775760, 27738188); PM4: Protein length changes due to in-frame deletions/insertions in a non-repeat region or stop-loss variant.

Natera, Inc.
Classification: Pathogenic for CFTR-related disorders. Last evaluated: 2025-10-29. Review status: criteria provided, single submitter. Criteria: Natera Variant Classification Schema (03/2026). Collection method: clinical testing. Allele origin: germline. Not counted in ClinVar's aggregate classification.
Comment: The c.3067_3072delATAGTG variant in CFTR is an in-frame deletion. This variant is rare in the general population with a frequency below the threshold expected for the associated phenotype(s). This variant has been observed in one or more individuals affected with the associated recessive disease, as either homozygous or compound heterozygous with a second variant (PMID: 38956483, 27214204, 21909392). This variant results in a change to the protein length while preserving reading frame, which may disrupt normal protein structure or function. Computational prediction algorithms indicate this variant is likely to affect gene or protein function. Given the available evidence, this variant is classified as Pathogenic.

Labcorp Genetics (formerly Invitae), Labcorp
Classification: Pathogenic for Cystic fibrosis. Last evaluated: 2025-09-15. Review status: criteria provided, single submitter. Criteria: Invitae Variant Classification Sherloc (09022015). Collection method: clinical testing. Allele origin: germline. Not counted in ClinVar's aggregate classification.
Comment: This variant, c.3067_3072del, results in the deletion of 2 amino acid(s) of the CFTR protein (p.Ile1023_Val1024del), but otherwise preserves the integrity of the reading frame. This variant is present in population databases (rs397508492, gnomAD 0.01%). This variant has been observed in individual(s) with cystic fibrosis or congenital absence of the vas deferens (PMID: 7516234, 12394343, 15287992, 22020151, 22627569). In at least one individual the data is consistent with being in trans (on the opposite chromosome) from a pathogenic variant. This variant is also known as 3199del6 or 3195del6. ClinVar contains an entry for this variant (Variation ID: 38480). For these reasons, this variant has been classified as Pathogenic.

Quest Diagnostics Nichols Institute San Juan Capistrano
Classification: Pathogenic. Last evaluated: 2025-09-09. Review status: criteria provided, single submitter. Criteria: Quest Diagnostics criteria. Collection method: clinical testing. Allele origin: unknown. Not counted in ClinVar's aggregate classification.
Comment: The CFTR c.3067_3072del (p.Ile1023_Val1024del) variant (also known as 3199del6 or 3195del6) results in an in-frame deletion that is expected to remove Ile1023 and Val1024 from the CFTR protein. In the published literature, this variant has been reported in multiple individuals with cystic fibrosis (CF) mostly in a compound heterozygous state with another CFTR pathogenic variant (PMIDs: 7516234 (1994), 8707304 (1996), 12394343 (2002), 15287992 (2004), 15775760 (2005), 22627569 (2012), 26708955 (2016), 27738188 (2016), 34782259 (2021), 33613790 (2021), and 35698092 (2022)). The variant has also been detected in individuals with CF-related diseases (PMIDs: 21679131 (2011), 22020151 (2012), and 34996830 (2022)). Experimental studies showed that this variant results in significant reduction in CFTR protein processing and channel function (PMIDs: 27738188 (2016) and 33920764 (2021)). The frequency of this variant in the general population (Genome Aggregation Database) is uninformative in the assessment of its pathogenicity. Based on the available information, this variant is classified as pathogenic.

Baylor Genetics
Classification: Pathogenic for Bronchiectasis with or without elevated sweat chloride 1. Last evaluated: 2024-03-11. Review status: criteria provided, single submitter. Criteria: ACMG Guidelines, 2015. Collection method: clinical testing. Allele origin: unknown. Not counted in ClinVar's aggregate classification.

Blueprint Genetics
Classification: Pathogenic for CFTR-related disorders. Last evaluated: 2024-03-05. Review status: criteria provided, single submitter. Criteria: ACMG Guidelines, 2015. Collection method: clinical testing. Allele origin: germline. Affected: yes. Observed: 3 variant alleles. Not counted in ClinVar's aggregate classification.

Revvity Omics, Revvity
Classification: Pathogenic. Last evaluated: 2023-01-13. Review status: criteria provided, single submitter. Criteria: ACMG Guidelines, 2015. Collection method: clinical testing. Allele origin: germline. Not counted in ClinVar's aggregate classification.

Ambry Genetics
Classification: Pathogenic for Cystic fibrosis. Last evaluated: 2023-01-11. Review status: criteria provided, single submitter. Criteria: Ambry Variant Classification Scheme 2023. Collection method: clinical testing. Allele origin: germline. Not counted in ClinVar's aggregate classification.
Comment: The c.3067_3072delATAGTG pathogenic mutation (also known as 3199del6, 3195del6, and p.I1023_V1024del) is located in coding exon 19 of the CFTR gene. This pathogenic mutation results from an in-frame deletion of 6 nucleotides at positions 3067 to 3072. This results in the deletion of an isoleucine and a valine residue between codons 1023 and 1024. This mutation was first reported in an individual with cystic fibrosis (CF) in trans with a frameshift alteration (Claustres M et al. Hum. Mol. Genet., 1994 Feb;3:371). In another study, this mutation was identified in trans with a nonsense alteration in an individual with CF with meconium ileus, pulmonary symptoms, pancreatic sufficiency, and elevated sweat chloride levels (Buyse IM et al. Genet. Med.;6:426-30). In a cohort of unrelated French Canadian individuals with CF, 21 of 22 individuals bearing this mutation and another severe CFTR alteration were pancreatic insufficient (Ruchon AF et al. Genet. Med., 2005 Mar;7:210-1). Based on the supporting evidence, this alteration is interpreted as a disease-causing mutation.

Institute of Human Genetics, University of Leipzig Medical Center
Classification: Pathogenic for Cystic fibrosis. Last evaluated: 2022-09-05. Review status: criteria provided, single submitter. Criteria: ACMG Guidelines, 2015. Collection method: curation. Allele origin: unknown. Affected: yes. Observed: 4 variant alleles. Not counted in ClinVar's aggregate classification.
Comment: This variant was identified in 4 unrelated patients with a clinically confirmed diagnosis of cystic fibrosis. The variant was classified in the context of a project re-classifying variants in the German Cystic Fibrosis Registry (Muko.e.V.). Criteria applied: PM2_SUP, PM3_VSTR, PM4, PP4

Clinical Genetics Laboratory, Skane University Hospital Lund
Classification: Pathogenic. Last evaluated: 2022-06-16. Review status: criteria provided, single submitter. Criteria: ACMG Guidelines, 2015. Collection method: clinical testing. Allele origin: germline. Affected: yes. Not counted in ClinVar's aggregate classification.

Johns Hopkins Genomics, Johns Hopkins University
Classification: Pathogenic for Cystic fibrosis. Last evaluated: 2020-03-04. Review status: criteria provided, single submitter. Criteria: ACMG Guidelines, 2015. Collection method: clinical testing. Allele origin: germline. Not counted in ClinVar's aggregate classification.
Comment: c.3067_3072del has been observed in multiple patients presenting with cystic fibrosis in whom a second disease-associated variant was identified. This variant (rs397508492) is rare (<0.1%) in a large population dataset (gnomAD: 7/251080 total alleles; 0.002788%; no homozygotes). Additionally, seven submitters in ClinVar classify this variant as either pathogenic or likely pathogenic. We consider this variant to be pathogenic.

NM_000492.4(CFTR):c.3067_3072del (p.Ile1023_Val1024del)

Genes: CFTR (CF transmembrane conductance regulator; plus strand), CFTR-AS2 (CFTR antisense RNA 2; minus strand), LOC111674472 (DNase I hypersensitive sites in introns 16 and 17a of CFTR; plus strand). Cytogenetic location: 7q31.2.
Variant type: Deletion.
Coding change: c.3067_3072del on transcript NM_000492.4 (MANE Select); coding-DNA positions 3067 to 3072, 6 bases deleted (ATAGTG; older notation c.3067_3072delATAGTG).
Protein change: p.Ile1023_Val1024del.
Molecular consequence: inframe deletion.
Genome position (GRCh38, 1-based): chr7:117,610,597-117,610,602, ATAGTG deleted; deleting any 6 consecutive bases within chr7:117,610,593-117,610,602 gives the same sequence; the c. name uses the placement nearest the transcript's 3' end. VCF-style (leftmost placement, unchanged base first): chr7-117610592-CAGTGAT-C. GRCh37 (hg19) VCF-style: chr7-117250646-CAGTGAT-C.
Other names: CFTR, 3199del6; c.3067_3072delATAGTG (NM_000492.3); c.3063_3068delAGTGAT (NM_000492.3).
Identifiers: ClinVar variation 38480 (VCV000038480.43), dbSNP rs121908767, ClinGen allele CA221021.
Genomic context (GRCh38, chr7:117,610,592, plus strand): 5'-TGATTGGAGCTATAGCAGTTGTCGCAGTTTTACAACCCTACATCTTTGTTGCAACAGTGC[CAGTGAT>C]AGTGGCTTTTATTATGTTGAGAGCATATTTCCTCCAAACCTCACAGCAACTCAAACAACT-3'